The following is an entry in ClinVar:

ClinVar aggregate classification (germline): Pathogenic (1 of 4 stars; one submission).

Submission:

Labcorp Genetics (formerly Invitae), Labcorp
Classification: Pathogenic. Last evaluated: 2019-03-26. Review status: criteria provided, single submitter. Criteria: Invitae Variant Classification Sherloc (09022015). Collection method: clinical testing. Allele origin: germline.
Comment: For these reasons, this variant has been classified as Pathogenic. This variant is not present in population databases (ExAC no frequency). This variant has not been reported in the literature in individuals with COL4A3-related conditions. Loss-of-function variants in COL4A3 are known to be pathogenic (PMID: 8956999, 24854265). This sequence change creates a premature translational stop signal (p.Gly1331*) in the COL4A3 gene. It is expected to result in an absent or disrupted protein product.

Literature cited by the submitters: PubMed 8956999; PubMed 24854265.

NM_000091.5(COL4A3):c.3991G>T (p.Gly1331Ter)

Genes: COL4A3 (collagen type IV alpha 3 chain; plus strand), MFF-DT (MFF divergent transcript; minus strand). Cytogenetic location: 2q36.3.
Variant type: single nucleotide variant.
Coding change: c.3991G>T on transcript NM_000091.5 (MANE Select); coding-DNA position 3991, G replaced by T.
Protein change: p.Gly1331Ter; replaces glycine 1331 with a stop codon.
Molecular consequence: nonsense.
Genome position (GRCh38, 1-based): chr2:227,303,894, G>T. VCF-style: chr2-227303894-G-T. GRCh37 (hg19) VCF-style: chr2-228168610-G-T.
Other names: short protein forms G1331*.
Identifiers: ClinVar variation 864412 (VCV000864412.7), dbSNP rs2073395126, ClinGen allele CA350862539.